The following is an entry in ClinVar:

ClinVar aggregate classification (germline): Pathogenic (1 of 4 stars; one submission).

Conditions:
Tuberous sclerosis syndrome (TSC). Also called: Tuberous Sclerosis Complex; Tuberous sclerosis. Identifiers: Orphanet 805, MedGen C0041341, MONDO:0001734.

Submission:

Cambridge Genomics Laboratory, East Genomic Laboratory Hub, NHS Genomic Medicine Service
Classification: Pathogenic for Tuberous sclerosis. Last evaluated: 2024-01-11. Review status: criteria provided, single submitter. Criteria: ACGS Best Practice Guidelines for Variant Classification in Rare Disease 2020. Collection method: clinical testing. Allele origin: germline. Affected: yes.
Comment: PVS1,PM2,PP4

NM_000368.5(TSC1):c.244A>T (p.Lys82Ter)

Gene: TSC1 (TSC complex subunit 1; minus strand). Cytogenetic location: 9q34.13.
Variant type: single nucleotide variant.
Coding change: c.244A>T on transcript NM_000368.5 (MANE Select); coding-DNA position 244, A replaced by T.
Protein change: p.Lys82Ter; replaces lysine 82 with a stop codon.
Molecular consequence: nonsense. On other transcripts: 5 prime UTR variant (18), non-coding transcript variant (5), intron variant (5).
Genome position (GRCh38, 1-based): chr9:132,925,706, T>A on the plus strand (A>T on the coding strand, the complement: TSC1 is on the minus strand). VCF-style: chr9-132925706-T-A. GRCh37 (hg19) VCF-style: chr9-135801093-T-A.
Other names: c.244A>T, p.Lys82Ter (NM_001406592.1, NM_001406593.1, NM_001406594.1 and 16 more transcripts); c.-120A>T (NM_001362177.2, NM_001406621.1, NM_001406622.1 and 5 more transcripts); c.-245A>T (NM_001406623.1, NM_001406615.1); c.-212A>T (NM_001406624.1, NM_001406614.1, NM_001406616.1); c.-634A>T (NM_001406626.1, NM_001406627.1, NM_001406628.1); c.-776A>T (NM_001406629.1); c.-850A>T (NM_001406630.1); c.210+1495A>T (NM_001406613.1, NM_001406612.1, NM_001406610.1 and 2 more transcripts); short protein forms K82*.
Identifiers: ClinVar variation 3236700 (VCV003236700.1), dbSNP rs2132237228, ClinGen allele CA375374740.